The following is an entry in ClinVar:

NM_138694.4(PKHD1):c.1233+1G>A

Gene: PKHD1 (PKHD1 ciliary IPT domain containing fibrocystin/polyductin; minus strand). Cytogenetic location: 6p12.2.
Variant type: single nucleotide variant.
Coding change: c.1233+1G>A on transcript NM_138694.4 (MANE Select); the canonical splice donor site of the intron after coding-DNA position 1233, G replaced by A.
Molecular consequence: splice donor variant.
Genome position (GRCh38, 1-based): chr6:52,059,927, C>T on the plus strand (G>A on the coding strand, the complement: PKHD1 is on the minus strand). VCF-style: chr6-52059927-C-T. GRCh37 (hg19) VCF-style: chr6-51924725-C-T.
Other names: c.1233+1G>A (NM_170724.3).
Identifiers: ClinVar variation 357452 (VCV000357452.21), dbSNP rs886061623, ClinGen allele CA10627219.

ClinVar aggregate classification (germline): Pathogenic/Likely pathogenic. Review status: criteria provided, multiple submitters, no conflicts (2 of 4 stars). 5 submissions from 5 submitters: Pathogenic (3); Likely pathogenic (2). Last evaluated 2026-01-09.

Conditions:
Autosomal recessive polycystic kidney disease (ARPKD). Also called: AR polycystic kidney disease. Identifiers: Orphanet 731, Orphanet 8378, MedGen C0085548, MeSH D017044, MONDO:0009889.

Allele frequency attached by ClinVar (database versions not stated): TOPMed 0.00001.

Submissions (5):

Natera, Inc.
Classification: Pathogenic for Autosomal recessive polycystic kidney disease. Last evaluated: 2026-01-09. Review status: criteria provided, single submitter. Criteria: Natera Variant Classification Schema (03/2026). Collection method: clinical testing. Allele origin: germline.
Comment: The c.1233+1G>A variant in PKHD1 is a canonical splice donor site variant predicted to affect pre-mRNA splicing, which may result in an abnormal transcript and altered protein product. This variant is expected to result in nonsense mediated decay, truncation, or a dysfunctional protein product. This variant is rare in the general population with a frequency below the threshold expected for the associated phenotype(s). This variant has been observed in one or more individuals affected with the associated recessive disease, as either homozygous or compound heterozygous with a second variant (PMID: 16133180). Given the available evidence, this variant is classified as Pathogenic.

Women's Health and Genetics/Laboratory Corporation of America, LabCorp
Classification: Likely pathogenic for Autosomal recessive polycystic kidney disease. Last evaluated: 2025-12-23. Review status: criteria provided, single submitter. Criteria: LabCorp Variant Classification Summary - May 2015. Collection method: clinical testing. Allele origin: germline.
Comment: Variant summary: PKHD1 c.1233+1G>A is located in a canonical splice-site and is predicted to affect mRNA splicing resulting in a significantly altered protein due to either exon skipping, shortening, or inclusion of intronic material. Variants that disrupt the consensus splice site are a relatively common cause of aberrant splicing and loss of PKHD1 function. Several computational tools predict a significant impact on normal splicing: Three predict the variant abolishes a canonical 5' splicing donor site. However, these predictions have yet to be confirmed by functional studies. The variant was absent in 251060 control chromosomes. c.1233+1G>A has been observed in individual(s) affected with Polycystic Kidney And Hepatic Disease (example: Losekoot_2005). These data indicate that the variant may be associated with disease. To our knowledge, no experimental evidence demonstrating an impact on protein function has been reported. The following publication has been ascertained in the context of this evaluation (PMID: 16133180). ClinVar contains an entry for this variant (Variation ID: 357452). Based on the evidence outlined above, the variant was classified as likely pathogenic.

Labcorp Genetics (formerly Invitae), Labcorp
Classification: Likely pathogenic for Autosomal recessive polycystic kidney disease. Last evaluated: 2023-11-05. Review status: criteria provided, single submitter. Criteria: Invitae Variant Classification Sherloc (09022015). Collection method: clinical testing. Allele origin: germline.
Comment: This sequence change affects a donor splice site in intron 15 of the PKHD1 gene. It is expected to disrupt RNA splicing. Variants that disrupt the donor or acceptor splice site typically lead to a loss of protein function (PMID: 16199547), and loss-of-function variants in PKHD1 are known to be pathogenic (PMID: 19940839). This variant is not present in population databases (gnomAD no frequency). Disruption of this splice site has been observed in individual(s) with autosomal recessive polycystic kidney disease (PMID: 16133180). ClinVar contains an entry for this variant (Variation ID: 357452). Algorithms developed to predict the effect of sequence changes on RNA splicing suggest that this variant may disrupt the consensus splice site. In summary, the currently available evidence indicates that the variant is pathogenic, but additional data are needed to prove that conclusively. Therefore, this variant has been classified as Likely Pathogenic.

GeneDx
Classification: Pathogenic. Last evaluated: 2022-11-10. Review status: criteria provided, single submitter. Criteria: GeneDx Variant Classification Process June 2021. Collection method: clinical testing. Allele origin: germline. Affected: yes.
Comment: Identified in patients with autosomal recessive polycystic kidney disease (ARPKD) in published literature (Losekoot et al., 2005); however, the inclusion criteria for the study was unclear; Canonical splice site variant predicted to result in a null allele in a gene for which loss of function is a known mechanism of disease; Not observed at significant frequency in large population cohorts (gnomAD); This variant is associated with the following publications: (PMID: 25525159, 16133180)

Baylor Genetics
Classification: Pathogenic for Polycystic kidney disease 4. Review status: criteria provided, single submitter. Criteria: ACMG Guidelines, 2015. Collection method: clinical testing. Allele origin: germline.

Literature cited by the submitters: PubMed 16133180 (cited by 3 submitters); PubMed 16199547 (cited by Labcorp Genetics (formerly Invitae), Labcorp); PubMed 19940839 (cited by Labcorp Genetics (formerly Invitae), Labcorp).